The following is an entry in ClinVar:

NM_004333.6(BRAF):c.281A>G (p.Gln94Arg)

Gene: BRAF (B-Raf proto-oncogene, serine/threonine kinase; minus strand). Cytogenetic location: 7q34.
Variant type: single nucleotide variant.
Coding change: c.281A>G on transcript NM_004333.6 (MANE Select); coding-DNA position 281, A replaced by G.
Protein change: p.Gln94Arg; replaces glutamine 94 with arginine.
Molecular consequence: missense variant. On other transcripts: intron variant (1).
Genome position (GRCh38, 1-based): chr7:140,834,832, T>C on the plus strand (A>G on the coding strand, the complement: BRAF is on the minus strand). VCF-style: chr7-140834832-T-C. GRCh37 (hg19) VCF-style: chr7-140534632-T-C.
Other names: c.281A>G, p.Gln94Arg (NM_001354609.2, NM_001374244.1, NM_001374258.1 and 5 more transcripts); c.179A>G, p.Gln60Arg (NM_001378470.1); c.125A>G, p.Gln42Arg (NM_001378472.1, NM_001378473.1); c.240+15279A>G (NM_001378475.1); short protein forms Q94R, Q42R, Q60R.
Identifiers: ClinVar variation 632676 (VCV000632676.3), dbSNP rs1562985576, ClinGen allele CA369593885.

ClinVar aggregate classification (germline): Uncertain significance. Review status: criteria provided, multiple submitters, no conflicts (2 of 4 stars). 3 submissions from 3 submitters: Uncertain significance (3). Last evaluated 2026-08-12.

Conditions:
RASopathy. Also called: Noonan spectrum disorder; rasopathies. Identifiers: Orphanet 536391, MedGen C5555857, MONDO:0021060.
Cardiovascular phenotype. Identifiers: MedGen CN230736.

Allele frequency attached by ClinVar (database versions not stated): gnomAD exomes below 0.00001.

Submissions (3):

Ambry Genetics
Classification: Uncertain significance for Cardiovascular phenotype. Last evaluated: 2026-08-12. Review status: criteria provided, single submitter. Criteria: Ambry Variant Classification Scheme 2023. Collection method: clinical testing. Allele origin: germline.

Labcorp Genetics (formerly Invitae), Labcorp
Classification: Uncertain significance for RASopathy. Last evaluated: 2025-08-13. Review status: criteria provided, single submitter. Criteria: Invitae Variant Classification Sherloc (09022015). Collection method: clinical testing. Allele origin: germline.
Comment: This sequence change replaces glutamine, which is neutral and polar, with arginine, which is basic and polar, at codon 94 of the BRAF protein (p.Gln94Arg). This variant is not present in population databases (gnomAD no frequency). This variant has not been reported in the literature in individuals affected with BRAF-related conditions. ClinVar contains an entry for this variant (Variation ID: 632676). Invitae Evidence Modeling of protein sequence and biophysical properties (such as structural, functional, and spatial information, amino acid conservation, physicochemical variation, residue mobility, and thermodynamic stability) indicates that this missense variant is not expected to disrupt BRAF protein function with a negative predictive value of 95%. In summary, the available evidence is currently insufficient to determine the role of this variant in disease. Therefore, it has been classified as a Variant of Uncertain Significance.

Women's Health and Genetics/Laboratory Corporation of America, LabCorp
Classification: Uncertain significance. Last evaluated: 2018-10-08. Review status: criteria provided, single submitter. Criteria: LabCorp Variant Classification Summary - May 2015. Collection method: clinical testing. Allele origin: germline.
Comment: Variant summary: BRAF c.281A>G (p.Gln94Arg) results in a conservative amino acid change in the encoded protein sequence. Four of five in-silico tools predict a benign effect of the variant on protein function. The variant was absent in 277026 control chromosomes. The available data on variant occurrences in the general population are insufficient to allow any conclusion about variant significance. To our knowledge, no occurrence of c.281A>G in individuals affected with Noonan Syndrome and Related Conditions and no experimental evidence demonstrating its impact on protein function have been reported. No clinical diagnostic laboratories have submitted clinical-significance assessments for this variant to ClinVar after 2014. Based on the evidence outlined above, the variant was classified as uncertain significance.